The following is an entry in ClinVar:

NM_015631.6(TCTN3):c.1438C>T (p.His480Tyr)

Gene: TCTN3 (tectonic family member 3; minus strand). Cytogenetic location: 10q24.1.
Variant type: single nucleotide variant.
Coding change: c.1438C>T on transcript NM_015631.6 (MANE Select); coding-DNA position 1438, C replaced by T.
Protein change: p.His480Tyr; replaces histidine 480 with tyrosine.
Molecular consequence: missense variant.
Genome position (GRCh38, 1-based): chr10:95,682,665, G>A on the plus strand (C>T on the coding strand, the complement: TCTN3 is on the minus strand). VCF-style: chr10-95682665-G-A. GRCh37 (hg19) VCF-style: chr10-97442422-G-A.
Other names: c.1492C>T, p.His498Tyr (NM_001013840.1); c.994C>T, p.His332Tyr (NM_001143973.2); c.1342C>T, p.His448Tyr (NM_001410982.1); c.1438C>T (NM_015631.5); short protein forms H332Y, H480Y, H448Y, H498Y.
Identifiers: ClinVar variation 2141899 (VCV002141899.4), dbSNP rs200151165, ClinGen allele CA5620844.

ClinVar aggregate classification (germline): Conflicting classifications of pathogenicity. Review status: criteria provided, conflicting classifications (1 of 4 stars). 3 submissions from 3 submitters: Likely pathogenic (1); Uncertain significance (2). Last evaluated 2026-10-08.

Conditions:
Joubert syndrome 18 (JBTS18). Identifiers: Orphanet 2754, MedGen C3553758, MONDO:0013896, OMIM 614815.
Orofacial-digital syndrome IV (OFD4). Also called: BARAITSER-BURN SYNDROME; OFD SYNDROME WITH TIBIAL DEFECTS; OFD SYNDROME, BARAITSER-BURN TYPE; OFDS IV; ORAL-FACIAL-DIGITAL SYNDROME, TYPE IV; Orofaciodigital syndrome IV. Identifiers: Orphanet 2753, MedGen C0406727, MONDO:0009794, OMIM 258860.

Allele frequency attached by ClinVar (database versions not stated): TOPMed 0.00003; ExAC 0.00013; ESP Exome Variant Server 0.00015; gnomAD 0.00004; gnomAD exomes 0.00005; 1000 Genomes Project 0.00020; 1000 Genomes Project 30x 0.00016.
gnomAD v4.1: 86 of 1,613,442 alleles (0.0053%); highest among the groups gnomAD compares: Non-Finnish European, 0.0057%; no homozygotes.

Submissions (3):

GeneDx
Classification: Likely pathogenic. Last evaluated: 2026-10-08. Review status: criteria provided, single submitter. Criteria: GeneDx Variant Classification Process June 2021. Collection method: clinical testing. Allele origin: germline.
Comment: Not observed at significant frequency in large population cohorts (gnomAD); In silico analysis supports that this missense variant has a deleterious effect on splicing; In silico analysis indicates that this missense variant does not alter protein structure/function; Has not been previously published as pathogenic or benign to our knowledge; This variant is associated with the following publications: (PMID: 31687339)

Labcorp Genetics (formerly Invitae), Labcorp
Classification: Uncertain significance for Joubert syndrome 18; Orofacial-digital syndrome IV. Last evaluated: 2022-07-30. Review status: criteria provided, single submitter. Criteria: Invitae Variant Classification Sherloc (09022015). Collection method: clinical testing. Allele origin: germline.
Comment: This sequence change replaces histidine, which is basic and polar, with tyrosine, which is neutral and polar, at codon 480 of the TCTN3 protein (p.His480Tyr). This variant is present in population databases (rs200151165, gnomAD 0.01%). This variant has not been reported in the literature in individuals affected with TCTN3-related conditions. Algorithms developed to predict the effect of missense changes on protein structure and function (SIFT, PolyPhen-2, Align-GVGD) all suggest that this variant is likely to be tolerated. Algorithms developed to predict the effect of sequence changes on RNA splicing suggest that this variant may disrupt the consensus splice site. In summary, the available evidence is currently insufficient to determine the role of this variant in disease. Therefore, it has been classified as a Variant of Uncertain Significance.

Blueprint Genetics
Classification: Uncertain significance. Last evaluated: 2021-04-07. Review status: criteria provided, single submitter. Criteria: ACMG Guidelines, 2015. Collection method: clinical testing. Allele origin: germline.